The following is an entry in ClinVar:

NM_001004334.4(GPR179):c.988G>C (p.Gly330Arg)

Gene: GPR179 (G protein-coupled receptor 179; minus strand). Cytogenetic location: 17q12.
Variant type: single nucleotide variant.
Coding change: c.988G>C on transcript NM_001004334.4 (MANE Select); coding-DNA position 988, G replaced by C.
Protein change: p.Gly330Arg; replaces glycine 330 with arginine.
Molecular consequence: missense variant.
Genome position (GRCh38, 1-based): chr17:38,337,636, C>G on the plus strand (G>C on the coding strand, the complement: GPR179 is on the minus strand). VCF-style: chr17-38337636-C-G. GRCh37 (hg19) VCF-style: chr17-36493519-C-G.
Other names: short protein forms G330R.
Identifiers: ClinVar variation 1956106 (VCV001956106.3), dbSNP rs377272094, ClinGen allele CA290109597.
Genomic context (GRCh38, chr17:38,337,636, plus strand): 5'-CCTCCCAACCATCCTCTCATGTAAAACACATGCCTGGCCCCCACCACACTTACATACCCC[C>G]AGAGGGGCTTGCCCCGTAGAATCCAGGTCGGCAGCGGCAGAGGTAGCGGCCAAGAACAAA-3'
Protein context (NP_001004334.3, residues 320-340): RPGFYGASPS[Gly330Arg]GLEESDFQTT

ClinVar aggregate classification (germline): Uncertain significance (1 of 4 stars; one submission).

gnomAD v4.1: 2 of 1,608,426 alleles (0.00012%); highest among the groups gnomAD compares: East Asian, 0.0023%; no homozygotes.

Submission:

Labcorp Genetics (formerly Invitae), Labcorp
Classification: Uncertain significance. Last evaluated: 2022-04-09. Review status: criteria provided, single submitter. Criteria: Invitae Variant Classification Sherloc (09022015). Collection method: clinical testing. Allele origin: germline.
Comment: This sequence change replaces glycine, which is neutral and non-polar, with arginine, which is basic and polar, at codon 330 of the GPR179 protein (p.Gly330Arg). This variant is not present in population databases (gnomAD no frequency). This variant has not been reported in the literature in individuals affected with GPR179-related conditions. Algorithms developed to predict the effect of missense changes on protein structure and function output the following: SIFT: "Tolerated"; PolyPhen-2: "Benign"; Align-GVGD: "Class C0". The arginine amino acid residue is found in multiple mammalian species, which suggests that this missense change does not adversely affect protein function. In summary, the available evidence is currently insufficient to determine the role of this variant in disease. Therefore, it has been classified as a Variant of Uncertain Significance.